The following is an entry in ClinVar:

NM_007194.4(CHEK2):c.72C>A (p.Ser24Arg)

Gene: CHEK2 (checkpoint kinase 2; minus strand). Cytogenetic location: 22q12.1.
Variant type: single nucleotide variant.
Coding change: c.72C>A on transcript NM_007194.4 (MANE Select); coding-DNA position 72, C replaced by A.
Protein change: p.Ser24Arg; replaces serine 24 with arginine.
Molecular consequence: missense variant.
Genome position (GRCh38, 1-based): chr22:28,734,650, G>T on the plus strand (C>A on the coding strand, the complement: CHEK2 is on the minus strand). VCF-style: chr22-28734650-G-T. GRCh37 (hg19) VCF-style: chr22-29130638-G-T.
Other names: c.72C>A, p.Ser24Arg (NM_001005735.3, NM_001349956.3, NM_145862.3); c.-706C>A (NM_001257387.3); short protein forms S24R.
Identifiers: ClinVar variation 1692952 (VCV001692952.1), dbSNP rs759679862, ClinGen allele CA411091682.

ClinVar aggregate classification (germline): Uncertain significance (1 of 4 stars; one submission).

Conditions:
Hereditary cancer-predisposing syndrome. Also called: Hereditary neoplastic syndrome; Tumor predisposition; Neoplastic Syndromes, Hereditary; Hereditary Cancer Syndrome. Identifiers: Orphanet 140162, MedGen C0027672, MeSH D009386, MONDO:0015356.

Submission:

Sema4
Classification: Uncertain significance for Hereditary cancer-predisposing syndrome. Last evaluated: 2021-11-27. Review status: criteria provided, single submitter. Criteria: Sema4 Curation Guidelines. Collection method: curation. Allele origin: germline.
Comment: The CHEK2 c.72C>A (p.S24R) variant has not been reported in the literature to our knowledge. It was not observed in the large and broad cohorts of the Genome Aggregation Database. The variant has not been reported in ClinVar. In silico tools suggest the impact of the variant on protein function is benign, though these predictions have not been confirmed by functional studies. The evidence is insufficient to meet ACMG/AMP criteria for classifying the variant as benign or pathogenic. Thus, the clinical significance of this variant is currently uncertain.